The following is an entry in ClinVar:

NM_000642.3(AGL):c.3023_3024dup (p.Ala1009fs)

Gene: AGL (amylo-alpha-1,6-glucosidase and 4-alpha-glucanotransferase; plus strand). Cytogenetic location: 1p21.2.
Variant type: Duplication.
Coding change: c.3023_3024dup on transcript NM_000642.3 (MANE Select); coding-DNA positions 3023 to 3024, 2 bases duplicated (AT; older notation c.3023_3024dupAT).
Protein change: p.Ala1009fs; shifts the reading frame from alanine 1009.
Molecular consequence: frameshift variant.
Genome position (GRCh38, 1-based): chr1:99,891,679-99,891,680, AT duplicated. VCF-style (leftmost placement, unchanged base first): chr1-99891678-G-GAT. GRCh37 (hg19) VCF-style: chr1-100357234-G-GAT.
Other names: c.3023_3024dup, p.Ala1009fs (NM_000028.3, NM_000643.3, NM_000644.3 and 1 more transcripts); c.2975_2976dup, p.Ala993fs (NM_000646.3); c.3002_3003dup, p.Ala1002fs (NM_001425326.1); c.2822_2823dup, p.Ala942fs (NM_001425327.1); c.2819_2820dup, p.Ala941fs (NM_001425328.1); c.2684_2685dup, p.Ala896fs (NM_001425329.1); c.2645_2646dup, p.Ala883fs (NM_001425332.1); short protein forms A1002fs, A1009fs, A883fs, A896fs, A941fs, A942fs, A993fs.
Identifiers: ClinVar variation 4814443 (VCV004814443.1).
Genomic context (GRCh38, chr1:99,891,678, plus strand): 5'-TTGCAGGCTATGTTCTTCTACCTGAAGCAGATCCCACGTTACCTTATCCCATGTTACTTT[G>GAT]ATGCTATATTAATTGGTGCATATACCACTCTTCTGGATACAGCATGGAAGCAGATGTCAA-3'

ClinVar aggregate classification (germline): Likely pathogenic (1 of 4 stars; one submission).

Conditions:
Glycogen storage disease type III (GSD3). Also called: FORBES DISEASE; Cori disease. Identifiers: Orphanet 366, MedGen C0017922, MONDO:0009291, OMIM 232400.

Submission:

Natera, Inc.
Classification: Likely pathogenic for Glycogen storage disease type III. Last evaluated: 2025-09-15. Review status: criteria provided, single submitter. Criteria: Natera Variant Classification Schema (03/2026). Collection method: clinical testing. Allele origin: germline.
Comment: The c.3023_3024dup variant in AGL is a frameshift variant predicted to shift the reading frame beginning at codon 1009 and leads to a stop codon 4 codons downstream. This variant is expected to result in nonsense mediated decay, truncation, or a dysfunctional protein product. This variant is rare in the general population with a frequency below the threshold expected for the associated phenotype(s). Given the available evidence, this variant is classified as Likely Pathogenic.